The following is an entry in ClinVar:

ClinVar aggregate classification (germline): Conflicting classifications of pathogenicity. Review status: criteria provided, conflicting classifications (1 of 4 stars). 2 submissions from 2 submitters: Uncertain significance (1); Likely benign (1). Last evaluated 2023-04-01.

Conditions:
Autosomal dominant limb-girdle muscular dystrophy type 1D (DNAJB6) (LGMDD1). Also called: MUSCULAR DYSTROPHY, LIMB-GIRDLE, TYPE 1D; MUSCULAR DYSTROPHY, AUTOSOMAL DOMINANT, WITH RIMMED VACUOLES; Autosomal dominant limb-girdle muscular dystrophy type 1D; Muscular dystrophy, limb-girdle, autosomal dominant 1. Identifiers: Orphanet 34516, MedGen C4721885, MONDO:0021018, OMIM 603511.

Allele frequency attached by ClinVar (database versions not stated): TOPMed 0.00031; gnomAD 0.00060 and 0.00063.

Submissions (2):

CeGaT Center for Human Genetics Tuebingen
Classification: Likely benign. Last evaluated: 2023-04-01. Review status: criteria provided, single submitter. Criteria: CeGaT Center For Human Genetics Tuebingen Variant Classification Criteria Version 2. Collection method: clinical testing. Allele origin: germline. Affected: yes. Observed: 2 variant alleles.
Comment: DNAJB6: BS1

Illumina Laboratory Services, Illumina
Classification: Uncertain significance for Autosomal dominant limb-girdle muscular dystrophy type 1D (DNAJB6). Last evaluated: 2018-01-13. Review status: criteria provided, single submitter. Criteria: ICSL Variant Classification Criteria 13 December 2019. Collection method: clinical testing. Allele origin: germline.

NM_058246.4(DNAJB6):c.*934C>T

Gene: DNAJB6 (DnaJ heat shock protein family (Hsp40) member B6; plus strand). Cytogenetic location: 7q36.3.
Variant type: single nucleotide variant.
Coding change: c.*934C>T on transcript NM_058246.4 (MANE Select); 934 bases downstream of the stop codon, C replaced by T.
Molecular consequence: 3 prime UTR variant.
Genome position (GRCh38, 1-based): chr7:157,417,032, C>T. VCF-style: chr7-157417032-C-T. GRCh37 (hg19) VCF-style: chr7-157209726-C-T.
Other names: c.*934C>T (NM_001363676.1).
Identifiers: ClinVar variation 359479 (VCV000359479.33), dbSNP rs886062136, ClinGen allele CA10628603.